The following is an entry in ClinVar:

NM_006206.6(PDGFRA):c.3144_3145dup (p.Ala1049fs)

Gene: PDGFRA (platelet derived growth factor receptor alpha; plus strand). Cytogenetic location: 4q12.
Variant type: Duplication.
Coding change: c.3144_3145dup on transcript NM_006206.6 (MANE Select); coding-DNA positions 3144 to 3145, 2 bases duplicated (TG; older notation c.3144_3145dupTG).
Protein change: p.Ala1049fs; shifts the reading frame from alanine 1049.
Molecular consequence: frameshift variant.
Genome position (GRCh38, 1-based): chr4:54,295,146-54,295,147, TG duplicated; duplicating any 2 consecutive bases within chr4:54,295,145-54,295,147 gives the same sequence; the c. name uses the placement nearest the transcript's 3' end. VCF-style (leftmost placement, unchanged base first): chr4-54295144-A-AGT. GRCh37 (hg19) VCF-style: chr4-55161311-A-AGT.
Other names: c.3219_3220dup, p.Ala1074fs (NM_001347828.2); c.3144_3145dup, p.Ala1049fs (NM_001347829.2); c.3183_3184dup, p.Ala1062fs (NM_001347830.2); c.3144_3145dupTG (NM_006206.4); short protein forms A1049fs, A1062fs, A1074fs.
Identifiers: ClinVar variation 4861722 (VCV004861722.1).

ClinVar aggregate classification (germline): Uncertain significance (1 of 4 stars; one submission).

Conditions:
Hereditary cancer-predisposing syndrome. Also called: Neoplastic Syndromes, Hereditary; Tumor predisposition; Hereditary Cancer Syndrome; Hereditary neoplastic syndrome. Identifiers: Orphanet 140162, MedGen C0027672, MeSH D009386, MONDO:0015356.

Submission:

Ambry Genetics
Classification: Uncertain significance for Hereditary cancer-predisposing syndrome. Last evaluated: 2026-03-20. Review status: criteria provided, single submitter. Criteria: Ambry Variant Classification Scheme 2023. Collection method: clinical testing. Allele origin: germline.
Comment: The c.3144_3145dupTG variant, located in coding exon 22 of the PDGFRA gene, results from a duplication of TG at nucleotide position 3144, causing a translational frameshift with a predicted alternate stop codon (p.A1049Vfs*25). This variant occurs at the 3' terminus of the gene and is not expected to trigger nonsense-mediated mRNA decay. Based on the available evidence, the clinical significance of this variant remains unclear.